The following is an entry in ClinVar:

ClinVar aggregate classification (germline): Uncertain significance (1 of 4 stars; one submission).

Allele frequency attached by ClinVar (database versions not stated): gnomAD exomes below 0.00001; ExAC 0.00002; gnomAD 0.00006; TOPMed 0.00006; ESP Exome Variant Server 0.00008; 1000 Genomes Project 30x 0.00016; 1000 Genomes Project 0.00020.
gnomAD v4.1: 13 of 1,611,432 alleles (0.00081%); highest among the groups gnomAD compares: African/African-American, 0.012%; no homozygotes.

Submission:

Labcorp Genetics (formerly Invitae), Labcorp
Classification: Uncertain significance. Last evaluated: 2023-02-04. Review status: criteria provided, single submitter. Criteria: Invitae Variant Classification Sherloc (09022015). Collection method: clinical testing. Allele origin: germline.
Comment: In summary, the available evidence is currently insufficient to determine the role of this variant in disease. Therefore, it has been classified as a Variant of Uncertain Significance. Algorithms developed to predict the effect of sequence changes on RNA splicing suggest that this variant may create or strengthen a splice site. This variant has not been reported in the literature in individuals affected with MCM5-related conditions. This variant is present in population databases (rs371739598, gnomAD 0.02%). This sequence change falls in intron 12 of the MCM5 gene. It does not directly change the encoded amino acid sequence of the MCM5 protein.

NM_006739.4(MCM5):c.1590+12G>T

Gene: MCM5 (minichromosome maintenance complex component 5; plus strand). Cytogenetic location: 22q12.3.
Variant type: single nucleotide variant.
Coding change: c.1590+12G>T on transcript NM_006739.4 (MANE Select); 12 bases into the intron after coding-DNA position 1590, G replaced by T.
Molecular consequence: intron variant.
Genome position (GRCh38, 1-based): chr22:35,416,826, G>T. VCF-style: chr22-35416826-G-T. GRCh37 (hg19) VCF-style: chr22-35812819-G-T.
Identifiers: ClinVar variation 2979866 (VCV002979866.3), dbSNP rs371739598, ClinGen allele CA10205420.
Genomic context (GRCh38, chr22:35,416,826, plus strand): 5'-CGACATGATCTTCATCGTCAAGGATGAGCACAATGAGGAGAGGGATGTGGTACGTCCAGG[G>T]GCAGGGCTGGTGGCCATGGGACCTGCCTCCAGGCAGGCTTGTGATTGTGTGGGAAGGAGA-3'